The following is an entry in ClinVar:

ClinVar aggregate classification (germline): Uncertain significance (1 of 4 stars; one submission).

Submission:

Labcorp Genetics (formerly Invitae), Labcorp
Classification: Uncertain significance. Last evaluated: 2022-07-26. Review status: criteria provided, single submitter. Criteria: Invitae Variant Classification Sherloc (09022015). Collection method: clinical testing. Allele origin: germline.
Comment: In summary, the available evidence is currently insufficient to determine the role of this variant in disease. Therefore, it has been classified as a Variant of Uncertain Significance. Variants that disrupt the consensus splice site are a relatively common cause of aberrant splicing (PMID: 17576681, 9536098). Algorithms developed to predict the effect of sequence changes on RNA splicing suggest that this variant may disrupt the consensus splice site. This variant has not been reported in the literature in individuals affected with PITRM1-related conditions. This variant is not present in population databases (gnomAD no frequency). This sequence change falls in intron 14 of the PITRM1 gene. It does not directly change the encoded amino acid sequence of the PITRM1 protein. It affects a nucleotide within the consensus splice site.

Literature cited by the submitters: PubMed 17576681; PubMed 9536098.

NM_014889.4(PITRM1):c.1738+5C>A

Gene: PITRM1 (pitrilysin metallopeptidase 1; minus strand). Cytogenetic location: 10p15.2.
Variant type: single nucleotide variant.
Coding change: c.1738+5C>A on transcript NM_014889.4 (MANE Select); 5 bases into the intron after coding-DNA position 1738, C replaced by A.
Molecular consequence: intron variant.
Genome position (GRCh38, 1-based): chr10:3,151,242, G>T on the plus strand (C>A on the coding strand, the complement: PITRM1 is on the minus strand). VCF-style: chr10-3151242-G-T. GRCh37 (hg19) VCF-style: chr10-3193434-G-T.
Other names: c.1714+5C>A (NM_001347730.1, NM_001347729.1); c.1642+5C>A (NM_001242309.1); c.1123+5C>A (NM_001347726.2, NM_001347727.2); c.433+5C>A (NM_001347728.2); c.1738+5C>A (NM_001347725.2, NM_001242307.2).
Identifiers: ClinVar variation 2019804 (VCV002019804.4), dbSNP rs2491734761, ClinGen allele CA2580081305.
Genomic context (GRCh38, chr10:3,151,242, plus strand): 5'-GAGGAGTGACATTTAATTCCCCCAAGGAACCCGAGACCCGGGAAAAGCGTAGCGTTCACA[G>T]TGACCTGTCAGGACCACGTCCAACTCTGTGACAGGTATGGTGGGTTCAATATCGGAAACT-3'